The following is an entry in ClinVar:

ClinVar aggregate classification (germline): Likely benign (1 of 4 stars; one submission).

gnomAD v4.1: 327 of 1,613,906 alleles (0.02%); highest among the groups gnomAD compares: African/African-American, 0.0067%; 2 homozygotes.

Submission:

CeGaT Center for Human Genetics Tuebingen
Classification: Likely benign. Last evaluated: 2026-05-01. Review status: criteria provided, single submitter. Criteria: CeGaT Center For Human Genetics Tuebingen Variant Classification Criteria Version 2. Collection method: clinical testing. Allele origin: germline. Affected: yes. Observed: 1 variant allele.
Comment: LURAP1: BP4, BP7

NM_001013615.3(LURAP1):c.408C>T (p.Thr136=)

Genes: LURAP1 (leucine rich adaptor protein 1; plus strand), POMGNT1 (protein O-linked mannose N-acetylglucosaminyltransferase 1 (beta 1,2-); minus strand). Cytogenetic location: 1p34.1.
Variant type: single nucleotide variant.
Coding change: c.408C>T on transcript NM_001013615.3 (MANE Select); coding-DNA position 408, C replaced by T.
Protein change: p.Thr136=; no amino-acid change (threonine 136 retained).
Molecular consequence: synonymous variant. On other transcripts: 5 prime UTR variant (1).
Genome position (GRCh38, 1-based): chr1:46,219,908, C>T. VCF-style: chr1-46219908-C-T. GRCh37 (hg19) VCF-style: chr1-46685580-C-T.
Other names: c.-254G>A (NM_001243766.2).
Identifiers: ClinVar variation 4872597 (VCV004872597.2).
Genomic context (GRCh38, chr1:46,219,908, plus strand): 5'-CGGGAGCCCAGGCCGCTCAAGGCGAGGCAGCTGGGACAGCCTGCCAGACACCAGCACCAC[C>T]GACCGGCTGGACAGTGTCTCTATTGGCAGCTTCCTGGACACAGTGGCCCCCAGCGAGCTG-3'
Protein context (NP_001013633.1, residues 126-146): SWDSLPDTST[Thr136=]DRLDSVSIGS